The following is an entry in ClinVar:

ClinVar aggregate classification (germline): Uncertain significance. Review status: criteria provided, multiple submitters, no conflicts (2 of 4 stars). 2 submissions from 2 submitters: Uncertain significance (2). Last evaluated 2024-12-18.

Conditions:
EIF4G1-related disorder. Also called: EIF4G1-related condition.

Submissions (2):

PreventionGenetics, part of Exact Sciences
Classification: Uncertain significance for EIF4G1-related condition. Last evaluated: 2024-12-18. Review status: criteria provided, single submitter. Criteria: ACMG Guidelines, 2015. Collection method: clinical testing. Allele origin: germline.
Comment: The EIF4G1 c.3985A>G variant is predicted to result in the amino acid substitution p.Met1329Val. This variant was reported in a patient with dementia with Lewy bodies (reported as A/G p.M1134V in Table 2 in Keogh et al 2016. PubMed ID: 26836416) and in early-onset Parkinson's disease cohorts (Supplementary Table 12-1 in Chen et al. 2022. PubMed ID: 35861376; Table S6 in Kukkle et al. 2022. PubMed ID: 35810474; Do et al. 2023. PubMed ID: 36879366). This variant is reported in 0.095% of alleles in individuals of East Asian descent in gnomAD, including a homozygous individual. At this time, the clinical significance of this variant is uncertain due to the absence of conclusive functional and genetic evidence.

Mayo Clinic Laboratories, Mayo Clinic
Classification: Uncertain significance. Last evaluated: 2024-01-09. Review status: criteria provided, single submitter. Criteria: ACMG Guidelines, 2015. Collection method: clinical testing. Allele origin: germline. Observed: 2 variant alleles.
Comment: BS2

Literature cited by the submitters: PubMed 26836416 (cited by Mayo Clinic Laboratories, Mayo Clinic); PubMed 35861376 (cited by Mayo Clinic Laboratories, Mayo Clinic).

NM_198241.3(EIF4G1):c.3985A>G (p.Met1329Val)

Gene: EIF4G1 (eukaryotic translation initiation factor 4 gamma 1; plus strand). Cytogenetic location: 3q27.1.
Variant type: single nucleotide variant.
Coding change: c.3985A>G on transcript NM_198241.3 (MANE Select); coding-DNA position 3985, A replaced by G.
Protein change: p.Met1329Val; replaces methionine 1329 with valine.
Molecular consequence: missense variant.
Genome position (GRCh38, 1-based): chr3:184,328,662, A>G. VCF-style: chr3-184328662-A-G. GRCh37 (hg19) VCF-style: chr3-184046450-A-G.
Other names: p.Met1329Val; c.4006A>G, p.Met1336Val (NM_001194946.2, NM_001194947.2); c.3865A>G, p.Met1289Val (NM_001291157.2); c.3400A>G, p.Met1134Val (NM_004953.5); c.3988A>G, p.Met1330Val (NM_182917.4); c.3493A>G, p.Met1165Val (NM_198242.3); c.3724A>G, p.Met1242Val (NM_198244.3); c.3985A>G (NM_198241.2); short protein forms M1134V, M1165V, M1242V, M1289V, M1329V, M1330V, M1336V.
Identifiers: ClinVar variation 3379517 (VCV003379517.2).